The following is an entry in ClinVar:

ClinVar aggregate classification (germline): Pathogenic (1 of 4 stars; one submission).

Conditions:
Periodontitis, aggressive. Identifiers: MedGen C0031106, MONDO:0980757.
Papillon-Lefèvre syndrome (PALS). Also called: KERATOSIS PALMOPLANTARIS WITH PERIODONTOPATHIA; Papillon-Lefevre Disease. Identifiers: Orphanet 678, MedGen C0030360, MONDO:0009490, OMIM 245000.
Haim-Munk syndrome (HMS). Also called: COCHIN JEWISH DISORDER; KERATOSIS PALMOPLANTARIS WITH PERIODONTOPATHIA AND ONYCHOGRYPOSIS. Identifiers: Orphanet 2342, MedGen C1855627, MONDO:0009491, OMIM 245010.

Submission:

Labcorp Genetics (formerly Invitae), Labcorp
Classification: Pathogenic for Haim-Munk syndrome; Periodontitis, aggressive; Papillon-Lefèvre syndrome. Last evaluated: 2024-01-04. Review status: criteria provided, single submitter. Criteria: Invitae Variant Classification Sherloc (09022015). Collection method: clinical testing. Allele origin: germline.
Comment: This sequence change creates a premature translational stop signal (p.Arg203*) in the CTSC gene. It is expected to result in an absent or disrupted protein product. Loss-of-function variants in CTSC are known to be pathogenic (PMID: 10662808, 11106356, 11886537). This variant is not present in population databases (gnomAD no frequency). This variant has not been reported in the literature in individuals affected with CTSC-related conditions. For these reasons, this variant has been classified as Pathogenic.

Literature cited by the submitters: PubMed 10662808; PubMed 11106356; PubMed 11886537.

NM_001814.6(CTSC):c.606dup (p.Arg203Ter)

Gene: CTSC (cathepsin C; minus strand). Cytogenetic location: 11q14.2.
Variant type: Duplication.
Coding change: c.606dup on transcript NM_001814.6 (MANE Select); coding-DNA position 606, one base duplicated (T; older notation c.606dupT).
Protein change: p.Arg203Ter; replaces arginine 203 with a stop codon.
Molecular consequence: nonsense.
Genome position (GRCh38, 1-based): chr11:88,309,198, A duplicated on the plus strand (T on the coding strand, the reverse complement: CTSC is on the minus strand); the first of 2 consecutive A bases (chr11:88,309,198-88,309,199); duplicating either gives the same sequence. VCF-style (leftmost placement, unchanged base first): chr11-88309197-T-TA. GRCh37 (hg19) VCF-style: chr11-88042365-T-TA.
Other names: short protein forms R203*.
Identifiers: ClinVar variation 2921926 (VCV002921926.3), dbSNP rs2496555992, ClinGen allele CA2740093162.